The following is an entry in ClinVar:

ClinVar aggregate classification (germline): Likely benign (1 of 4 stars; one submission).

Allele frequency attached by ClinVar (database versions not stated): 1000 Genomes Project 30x 0.00843; 1000 Genomes Project 0.00899; TOPMed 0.01564; gnomAD 0.01728 and 0.01779.
gnomAD v4.1: 2,607 of 151,988 alleles (1.7%); highest among the groups gnomAD compares: Non-Finnish European, 2.5%; 38 homozygotes.

Submission:

GeneDx
Classification: Likely benign. Last evaluated: 2018-06-19. Review status: criteria provided, single submitter. Criteria: GeneDx Variant Classification (06012015). Collection method: clinical testing. Allele origin: germline. Affected: yes.
Comment: This variant is considered likely benign or benign based on one or more of the following criteria: it is a conservative change, it occurs at a poorly conserved position in the protein, it is predicted to be benign by multiple in silico algorithms, and/or has population frequency not consistent with disease.

NM_013382.7(POMT2):c.1184-288T>C

Gene: POMT2 (protein O-mannosyltransferase 2; minus strand). Cytogenetic location: 14q24.3.
Variant type: single nucleotide variant.
Coding change: c.1184-288T>C on transcript NM_013382.7 (MANE Select); 288 bases into the intron before coding-DNA position 1184, T replaced by C.
Molecular consequence: intron variant.
Genome position (GRCh38, 1-based): chr14:77,289,119, A>G on the plus strand (T>C on the coding strand, the complement: POMT2 is on the minus strand). VCF-style: chr14-77289119-A-G. GRCh37 (hg19) VCF-style: chr14-77755462-A-G.
Identifiers: ClinVar variation 668939 (VCV000668939.1), dbSNP rs142996120, ClinGen allele CA263825907.
Genomic context (GRCh38, chr14:77,289,119, plus strand): 5'-GGTGAACAAGCAGGAGAAAGGCACTAGAAGTGTGAAAGAAGAAAACTTCTGGCCGGGCAC[A>G]GTGGCTCACGCCTGTAATCCTAGCCCTTTGGGAGACCGAGGCGGGCAGAACACCTGAGGC-3'